The following is an entry in ClinVar:

NM_020320.5(RARS2):c.1430_1431del (p.Phe477fs)

Gene: RARS2 (arginyl-tRNA synthetase 2, mitochondrial; minus strand). Cytogenetic location: 6q15.
Variant type: Deletion.
Coding change: c.1430_1431del on transcript NM_020320.5 (MANE Select); coding-DNA positions 1430 to 1431, 2 bases deleted (TT; older notation c.1430_1431delTT).
Protein change: p.Phe477fs; shifts the reading frame from phenylalanine 477.
Molecular consequence: frameshift variant. On other transcripts: non-coding transcript variant (19).
Genome position (GRCh38, 1-based): chr6:87,518,249-87,518,250, AA deleted on the plus strand (TT on the coding strand, the reverse complement: RARS2 is on the minus strand); deleting any 2 consecutive bases within chr6:87,518,249-87,518,252 gives the same sequence; the c. name uses the placement nearest the transcript's 3' end. VCF-style (leftmost placement, unchanged base first): chr6-87518248-CAA-C. GRCh37 (hg19) VCF-style: chr6-88227966-CAA-C.
Other names: c.905_906del, p.Phe302fs (NM_001318785.2, NM_001350506.2, NM_001350507.2 and 4 more transcripts); c.1430_1431del, p.Phe477fs (NM_001350505.2); c.1430_1431delTT (NM_020320.4); short protein forms F302fs, F477fs.
Identifiers: ClinVar variation 652213 (VCV000652213.6), dbSNP rs759420180, ClinGen allele CA3916271.

ClinVar aggregate classification (germline): Pathogenic/Likely pathogenic. Review status: criteria provided, multiple submitters, no conflicts (2 of 4 stars). 3 submissions from 3 submitters: Pathogenic (1); Likely pathogenic (2). Last evaluated 2025-01-21.

Conditions:
Pontocerebellar hypoplasia type 6 (PCH6). Identifiers: Orphanet 166073, MedGen C1969084, MONDO:0012683, OMIM 611523.

Submissions (3):

Natera, Inc.
Classification: Likely pathogenic for Pontocerebellar hypoplasia, type 6. Last evaluated: 2025-01-21. Review status: criteria provided, single submitter. Criteria: Natera Variant Classification Schema (03/2026). Collection method: clinical testing. Allele origin: germline.
Comment: The c.1430_1431delTT variant in RARS2 is a frameshift variant predicted to shift the reading frame beginning at codon 477 and leads to a stop codon 7 codons downstream. This variant is expected to result in nonsense mediated decay, truncation, or a dysfunctional protein product. This variant is rare in the general population with a frequency below the threshold expected for the associated phenotype(s). Given the available evidence, this variant is classified as Likely Pathogenic.

Baylor Genetics
Classification: Likely pathogenic for Pontocerebellar hypoplasia type 6. Last evaluated: 2024-02-20. Review status: criteria provided, single submitter. Criteria: ACMG Guidelines, 2015. Collection method: clinical testing. Allele origin: unknown.

Labcorp Genetics (formerly Invitae), Labcorp
Classification: Pathogenic. Last evaluated: 2023-10-25. Review status: criteria provided, single submitter. Criteria: Invitae Variant Classification Sherloc (09022015). Collection method: clinical testing. Allele origin: germline.
Comment: This sequence change creates a premature translational stop signal (p.Phe477Trpfs*7) in the RARS2 gene. It is expected to result in an absent or disrupted protein product. Loss-of-function variants in RARS2 are known to be pathogenic (PMID: 17847012, 22569581, 26083569). This variant is not present in population databases (gnomAD no frequency). This variant has not been reported in the literature in individuals affected with RARS2-related conditions. ClinVar contains an entry for this variant (Variation ID: 652213). For these reasons, this variant has been classified as Pathogenic.

Literature cited by the submitters: PubMed 17847012 (cited by Labcorp Genetics (formerly Invitae), Labcorp); PubMed 22569581 (cited by Labcorp Genetics (formerly Invitae), Labcorp); PubMed 26083569 (cited by Labcorp Genetics (formerly Invitae), Labcorp).